The following is an entry in ClinVar:

NM_004329.3(BMPR1A):c.710T>A (p.Val237Asp)

Gene: BMPR1A (bone morphogenetic protein receptor type 1A; plus strand). Cytogenetic location: 10q23.2.
Variant type: single nucleotide variant.
Coding change: c.710T>A on transcript NM_004329.3 (MANE Select); coding-DNA position 710, T replaced by A.
Protein change: p.Val237Asp; replaces valine 237 with aspartic acid.
Molecular consequence: missense variant. On other transcripts: non-coding transcript variant (3).
Genome position (GRCh38, 1-based): chr10:86,917,168, T>A. VCF-style: chr10-86917168-T-A. GRCh37 (hg19) VCF-style: chr10-88676925-T-A.
Other names: c.710T>A, p.Val237Asp (NM_001406565.1, NM_001406566.1, NM_001406567.1 and 19 more transcripts); c.785T>A, p.Val262Asp (NM_001406559.1); c.758T>A, p.Val253Asp (NM_001406560.1); c.704T>A, p.Val235Asp (NM_001406583.1); c.626T>A, p.Val209Asp (NM_001406584.1, NM_001406585.1, NM_001406586.1 and 2 more transcripts); c.368T>A, p.Val123Asp (NM_001406589.1); short protein forms V123D, V235D, V262D, V209D, V253D, V237D.
Identifiers: ClinVar variation 3481243 (VCV003481243.1).

ClinVar aggregate classification (germline): Uncertain significance (1 of 4 stars; one submission).

Conditions:
Hereditary cancer-predisposing syndrome. Also called: Tumor predisposition; Neoplastic Syndromes, Hereditary; Hereditary Cancer Syndrome; Hereditary neoplastic syndrome. Identifiers: Orphanet 140162, MedGen C0027672, MeSH D009386, MONDO:0015356.

Submission:

Ambry Genetics
Classification: Uncertain significance for Hereditary cancer-predisposing syndrome. Last evaluated: 2024-11-17. Review status: criteria provided, single submitter. Criteria: Ambry Variant Classification Scheme 2023. Collection method: clinical testing. Allele origin: germline.
Comment: The p.V237D variant (also known as c.710T>A), located in coding exon 7 of the BMPR1A gene, results from a T to A substitution at nucleotide position 710. The valine at codon 237 is replaced by aspartic acid, an amino acid with highly dissimilar properties. This amino acid position is conserved. In addition, the in silico prediction for this alteration is inconclusive. Based on the available evidence, the clinical significance of this variant remains unclear.